The following is an entry in ClinVar:

ClinVar aggregate classification (germline): Uncertain significance (1 of 4 stars; one submission).

gnomAD v4.1: 115 of 1,614,038 alleles (0.0071%); highest among the groups gnomAD compares: Non-Finnish European, 0.0096%; no homozygotes.

Submission:

Quest Diagnostics Nichols Institute San Juan Capistrano
Classification: Uncertain significance. Last evaluated: 2025-02-03. Review status: criteria provided, single submitter. Criteria: Quest Diagnostics criteria. Collection method: clinical testing. Allele origin: unknown.
Comment: The VWF c.962G>A (p.Cys321Tyr) variant has been reported in the published literature in a type 1 von Willebrand disease (VWD) study consisting of families diagnosed with type 1 VWD as well as reportedly healthy individuals (PMID: 23349392 (2013)). The frequency of this variant in the general population (Genome Aggregation Database) is uninformative in the assessment of its pathogenicity. Analysis of this variant using bioinformatics tools for the prediction of the effect of amino acid changes on protein structure and function yielded predictions that this variant is damaging. Based on the available information, we are unable to determine the clinical significance of this variant.

Literature cited by the submitters: PubMed 37845247; PubMed 23349392.

NM_000552.5(VWF):c.962G>A (p.Cys321Tyr)

Gene: VWF (von Willebrand factor; minus strand). Cytogenetic location: 12p13.31.
Variant type: single nucleotide variant.
Coding change: c.962G>A on transcript NM_000552.5 (MANE Select); coding-DNA position 962, G replaced by A.
Protein change: p.Cys321Tyr; replaces cysteine 321 with tyrosine.
Molecular consequence: missense variant.
Genome position (GRCh38, 1-based): chr12:6,073,654, C>T on the plus strand (G>A on the coding strand, the complement: VWF is on the minus strand). VCF-style: chr12-6073654-C-T. GRCh37 (hg19) VCF-style: chr12-6182820-C-T.
Other names: short protein forms C321Y.
Identifiers: ClinVar variation 4533029 (VCV004533029.1).
Genomic context (GRCh38, chr12:6,073,654, plus strand): 5'-GTAAATAAAGTGGGAAGTTCATTACCAGGGCAGCTGCAGCCATCCACGCATCGCTCCTGA[C>T]ACATTTCATTGATGTGCAGGCTCTGGCAGGTCCTGGCGCAAGGGGACACACACTGCCTAT-3'
Protein context (NP_000543.3, residues 311-331): TCQSLHINEM[Cys321Tyr]QERCVDGCSC